The following is an entry in ClinVar:

ClinVar aggregate classification (germline): Conflicting classifications of pathogenicity. Review status: criteria provided, conflicting classifications (1 of 4 stars). 2 submissions from 2 submitters: Likely pathogenic (1); Uncertain significance (1). Last evaluated 2023-02-06.

Conditions:
Ethylmalonic encephalopathy (EE). Also called: EPEMA syndrome; Encephalopathy, petechiae, and ethylmalonic aciduria; Syndrome of encephalopathy, petechiae, and ethylmalonic aciduria. Identifiers: Orphanet 51188, MedGen C1865349, MONDO:0011229, OMIM 602473. Disease mechanism: loss of function.

Submissions (2):

Baylor Genetics
Classification: Likely pathogenic for Ethylmalonic encephalopathy. Last evaluated: 2023-02-06. Review status: criteria provided, single submitter. Criteria: ACMG Guidelines, 2015. Collection method: clinical testing. Allele origin: unknown.

GeneDx
Classification: Uncertain significance. Last evaluated: 2019-11-22. Review status: criteria provided, single submitter. Criteria: GeneDx Variant Classification Process June 2021. Collection method: clinical testing. Allele origin: germline. Affected: yes.
Comment: Frameshift variant predicted to result in protein truncation as the last 54 amino acids are lost and replaced with 18 incorrect amino acids, although loss-of-function variants have not been reported downstream of this position in the protein; Not observed in large population cohorts (Lek et al., 2016); Has not been previously published as pathogenic or benign to our knowledge

NM_014297.5(ETHE1):c.602_603del (p.Thr201fs)

Gene: ETHE1 (ETHE1 persulfide dioxygenase; minus strand). Cytogenetic location: 19q13.31.
Variant type: Microsatellite.
Coding change: c.602_603del on transcript NM_014297.5 (MANE Select); coding-DNA positions 602 to 603, 2 bases deleted (CA; older notation c.602_603delCA).
Protein change: p.Thr201fs; shifts the reading frame from threonine 201.
Molecular consequence: frameshift variant.
Genome position (GRCh38, 1-based): chr19:43,508,053-43,508,054, TG deleted on the plus strand (CA on the coding strand, the reverse complement: ETHE1 is on the minus strand); deleting any 2 consecutive bases within chr19:43,508,053-43,508,056 gives the same sequence; the c. name uses the placement nearest the transcript's 3' end. VCF-style (leftmost placement, unchanged base first): chr19-43508052-CTG-C. GRCh37 (hg19) VCF-style: chr19-44012204-CTG-C.
Other names: c.602_603delCA (NM_014297.3); c.569_570del, p.Thr190fs (NM_001320867.2); c.233_234del, p.Thr78fs (NM_001320868.2); c.308_309del, p.Thr103fs (NM_001320869.2); short protein forms T103fs, T190fs, T201fs, T78fs.
Identifiers: ClinVar variation 214325 (VCV000214325.4), dbSNP rs863223956, ClinGen allele CA322384.